The following is an entry in ClinVar:

NM_005850.5(SF3B4):c.555G>A (p.Glu185=)

Gene: SF3B4 (splicing factor 3b subunit 4; minus strand). Cytogenetic location: 1q21.2.
Variant type: single nucleotide variant.
Coding change: c.555G>A on transcript NM_005850.5 (MANE Select); coding-DNA position 555, G replaced by A.
Protein change: p.Glu185=; no amino-acid change (glutamic acid 185 retained).
Molecular consequence: synonymous variant.
Genome position (GRCh38, 1-based): chr1:149,926,527, C>T on the plus strand (G>A on the coding strand, the complement: SF3B4 is on the minus strand). VCF-style: chr1-149926527-C-T. GRCh37 (hg19) VCF-style: chr1-149898419-C-T.
Identifiers: ClinVar variation 752457 (VCV000752457.8), dbSNP rs145373049, ClinGen allele CA1071506.
Genomic context (GRCh38, chr1:149,926,527, plus strand): 5'-ATCAGCCTGGGAGAGCGGGTTCTGAGCTGCCAGAAGTCGTTCGGCTGCTGAGCCATGGCG[C>T]TCACCCTTGGAGTCCTTCTTGAAGGCATAAGATACGGTGATAGGACGGTTACAGAGGTAC-3'
Protein context (NP_005841.1, residues 175-195): SYAFKKDSKG[Glu185=]RHGSAAERLL

ClinVar aggregate classification (germline): Likely benign. Review status: criteria provided, single submitter (1 of 4 stars). 2 submissions from 2 submitters: Likely benign (1). 1 of the submissions does not count toward it. Last evaluated 2026-01-19.

Conditions:
SF3B4-related disorder. Also called: SF3B4-related condition.

Allele frequency attached by ClinVar (database versions not stated): ExAC 0.00008; gnomAD exomes 0.00010; 1000 Genomes Project 30x 0.00031; gnomAD 0.00036; ESP Exome Variant Server 0.00038; TOPMed 0.00039; 1000 Genomes Project 0.00040.
gnomAD v4.1: 129 of 1,614,170 alleles (0.008%); highest among the groups gnomAD compares: African/African-American, 0.14%; no homozygotes.

Submissions (2):

Labcorp Genetics (formerly Invitae), Labcorp
Classification: Likely benign. Last evaluated: 2026-01-19. Review status: criteria provided, single submitter. Criteria: Invitae Variant Classification Sherloc (09022015). Collection method: clinical testing. Allele origin: germline.

PreventionGenetics, part of Exact Sciences
Classification: Likely benign for SF3B4-related condition. Last evaluated: 2020-02-28. Review status: no assertion criteria provided. Collection method: clinical testing. Allele origin: germline. Not counted in ClinVar's aggregate classification.
Comment: This variant is classified as likely benign based on ACMG/AMP sequence variant interpretation guidelines (Richards et al. 2015 PMID: 25741868, with internal and published modifications).